The following is an entry in ClinVar:

NM_001257357.2(RAB44):c.1178del (p.Pro393fs)

Gene: RAB44 (RAB44, member RAS oncogene family; plus strand). Cytogenetic location: 6p21.2.
Variant type: Deletion.
Coding change: c.1178del on transcript NM_001257357.2 (MANE Select); coding-DNA position 1178, one base deleted (C; older notation c.1178delC).
Protein change: p.Pro393fs; shifts the reading frame from proline 393.
Molecular consequence: frameshift variant.
Genome position (GRCh38, 1-based): chr6:36,721,312, C deleted; the last of 5 consecutive C bases (chr6:36,721,308-36,721,312); deleting any one gives the same sequence. VCF-style (leftmost placement, unchanged base first): chr6-36721307-GC-G. GRCh37 (hg19) VCF-style: chr6-36689084-GC-G.
Other names: c.1174del (NM_001257357.2); short protein forms P393fs.
Identifiers: ClinVar variation 3774537 (VCV003774537.1).

ClinVar aggregate classification (germline): Uncertain significance (1 of 4 stars; one submission).

Conditions:
Familial meningioma. Also called: Meningioma, familial, susceptibility to. Identifiers: Orphanet 263662, MedGen C3551915, MONDO:0011789, OMIM 607174.

Submission:

Dr. Guy Rouleau's laboratory, McGill University
Classification: Uncertain significance for Familial meningioma. Last evaluated: 2025-03-22. Review status: criteria provided, single submitter. Criteria: ACMG Guidelines, 2015. Collection method: research. Allele origin: germline. Affected: yes.
Comment: This frameshift variant at the position Pro393fs creates premature translational stop signal in RAB44 gene. It is expected to result in an absent or disrupted protein product. This variant has been reported in population database (gnomAD v2.1.1 allele frequency=0.0007175, coverage genome 26X). Based on the available evidence, the clinical significance of this variant is unknown.